The following is an entry in ClinVar:

ClinVar aggregate classification (germline): Uncertain significance (1 of 4 stars; one submission).

Conditions:
Hereditary cancer-predisposing syndrome. Also called: Tumor predisposition; Hereditary neoplastic syndrome; Hereditary Cancer Syndrome; Neoplastic Syndromes, Hereditary. Identifiers: Orphanet 140162, MedGen C0027672, MeSH D009386, MONDO:0015356.

Submission:

Ambry Genetics
Classification: Uncertain significance for Hereditary cancer-predisposing syndrome. Last evaluated: 2026-01-17. Review status: criteria provided, single submitter. Criteria: Ambry Variant Classification Scheme 2023. Collection method: clinical testing. Allele origin: germline.
Comment: The p.W2091C variant (also known as c.6273G>T), located in coding exon 42 of the ATM gene, results from a G to T substitution at nucleotide position 6273. The tryptophan at codon 2091 is replaced by cysteine, an amino acid with highly dissimilar properties. This amino acid position is conserved. In addition, this alteration is predicted to be tolerated by in silico analysis. Based on the available evidence, the clinical significance of this variant remains unclear.

NM_000051.4(ATM):c.6273G>T (p.Trp2091Cys)

Genes: ATM (ATM serine/threonine kinase; plus strand), C11orf65 (chromosome 11 open reading frame 65; minus strand). Cytogenetic location: 11q22.3.
Variant type: single nucleotide variant.
Coding change: c.6273G>T on transcript NM_000051.4 (MANE Select); coding-DNA position 6273, G replaced by T.
Protein change: p.Trp2091Cys; replaces tryptophan 2091 with cysteine.
Molecular consequence: missense variant. On other transcripts: intron variant (2).
Genome position (GRCh38, 1-based): chr11:108,317,447, G>T. VCF-style: chr11-108317447-G-T. GRCh37 (hg19) VCF-style: chr11-108188174-G-T.
Other names: c.6273G>T, p.Trp2091Cys (NM_001351834.2); c.641-8376C>A (NM_001330368.2); c.*39-8376C>A (NM_001351110.2); short protein forms W2091C.
Identifiers: ClinVar variation 4825493 (VCV004825493.1).